The following is an entry in ClinVar:

NM_003476.5(CSRP3):c.14G>A (p.Gly5Asp)

Gene: CSRP3 (cysteine and glycine rich protein 3; minus strand). Cytogenetic location: 11p15.1.
Variant type: single nucleotide variant.
Coding change: c.14G>A on transcript NM_003476.5 (MANE Select); coding-DNA position 14, G replaced by A.
Protein change: p.Gly5Asp; replaces glycine 5 with aspartic acid.
Molecular consequence: missense variant.
Genome position (GRCh38, 1-based): chr11:19,192,435, C>T on the plus strand (G>A on the coding strand, the complement: CSRP3 is on the minus strand). VCF-style: chr11-19192435-C-T. GRCh37 (hg19) VCF-style: chr11-19213982-C-T.
Other names: c.14G>A, p.Gly5Asp (NM_001369404.1); short protein forms G5D.
Identifiers: ClinVar variation 1405784 (VCV001405784.9), dbSNP rs2133516544, ClinGen allele CA379888679.

ClinVar aggregate classification (germline): Uncertain significance (1 of 4 stars; one submission).

Conditions:
Hypertrophic cardiomyopathy 12. Identifiers: MedGen C2677491, MONDO:0012804, OMIM 612124.
Dilated cardiomyopathy 1M (CMD1M). Identifiers: Orphanet 154, MedGen C1843808, MONDO:0011840, OMIM 607482.

Submission:

Labcorp Genetics (formerly Invitae), Labcorp
Classification: Uncertain significance for Hypertrophic cardiomyopathy 12; Dilated cardiomyopathy 1M. Last evaluated: 2022-07-19. Review status: criteria provided, single submitter. Criteria: Invitae Variant Classification Sherloc (09022015). Collection method: clinical testing. Allele origin: germline.
Comment: In summary, the available evidence is currently insufficient to determine the role of this variant in disease. Therefore, it has been classified as a Variant of Uncertain Significance. Algorithms developed to predict the effect of missense changes on protein structure and function are either unavailable or do not agree on the potential impact of this missense change (SIFT: "Tolerated"; PolyPhen-2: "Probably Damaging"; Align-GVGD: "Class C0"). ClinVar contains an entry for this variant (Variation ID: 1405784). This variant has not been reported in the literature in individuals affected with CSRP3-related conditions. This variant is not present in population databases (gnomAD no frequency). This sequence change replaces glycine, which is neutral and non-polar, with aspartic acid, which is acidic and polar, at codon 5 of the CSRP3 protein (p.Gly5Asp).